The following is an entry in ClinVar:

ClinVar aggregate classification (germline): Uncertain significance (1 of 4 stars; one submission).

gnomAD v4.1: 3 of 1,614,128 alleles (0.00019%); highest among the groups gnomAD compares: Non-Finnish European, 0.00025%; no homozygotes.

Submission:

Labcorp Genetics (formerly Invitae), Labcorp
Classification: Uncertain significance. Last evaluated: 2022-03-06. Review status: criteria provided, single submitter. Criteria: Invitae Variant Classification Sherloc (09022015). Collection method: clinical testing. Allele origin: germline.
Comment: In summary, the available evidence is currently insufficient to determine the role of this variant in disease. Therefore, it has been classified as a Variant of Uncertain Significance. Algorithms developed to predict the effect of sequence changes on RNA splicing suggest that this variant may create or strengthen a splice site. Algorithms developed to predict the effect of missense changes on protein structure and function (SIFT, PolyPhen-2, Align-GVGD) all suggest that this variant is likely to be tolerated. This variant has not been reported in the literature in individuals affected with LRP2-related conditions. This variant is present in population databases (no rsID available, gnomAD 0.002%). This sequence change replaces histidine, which is basic and polar, with asparagine, which is neutral and polar, at codon 2901 of the LRP2 protein (p.His2901Asn).

NM_004525.3(LRP2):c.8701C>A (p.His2901Asn)

Gene: LRP2 (LDL receptor related protein 2; minus strand). Cytogenetic location: 2q31.1.
Variant type: single nucleotide variant.
Coding change: c.8701C>A on transcript NM_004525.3 (MANE Select); coding-DNA position 8701, C replaced by A.
Protein change: p.His2901Asn; replaces histidine 2901 with asparagine.
Molecular consequence: missense variant.
Genome position (GRCh38, 1-based): chr2:169,193,890, G>T on the plus strand (C>A on the coding strand, the complement: LRP2 is on the minus strand). VCF-style: chr2-169193890-G-T. GRCh37 (hg19) VCF-style: chr2-170050400-G-T.
Other names: short protein forms H2901N.
Identifiers: ClinVar variation 2106046 (VCV002106046.4), dbSNP rs1321855185, ClinGen allele CA349160810.